The following is an entry in ClinVar:

ClinVar aggregate classification (germline): Uncertain significance (1 of 4 stars; one submission).

Submission:

Labcorp Genetics (formerly Invitae), Labcorp
Classification: Uncertain significance. Last evaluated: 2025-05-04. Review status: criteria provided, single submitter. Criteria: Invitae Variant Classification Sherloc (09022015). Collection method: clinical testing. Allele origin: germline.
Comment: This sequence change creates a premature translational stop signal (p.Trp86*) in the AKR1C4 gene. It is expected to result in an absent or disrupted protein product. However, the current clinical and genetic evidence is not sufficient to establish whether loss-of-function variants in AKR1C4 cause disease. This variant is not present in population databases (gnomAD no frequency). This variant has not been reported in the literature in individuals affected with AKR1C4-related conditions. Algorithms developed to predict the effect of sequence changes on RNA splicing suggest that this variant may disrupt the consensus splice site. In summary, the available evidence is currently insufficient to determine the role of this variant in disease. Therefore, it has been classified as a Variant of Uncertain Significance.

NM_001818.5(AKR1C4):c.257G>A (p.Trp86Ter)

Gene: AKR1C4 (aldo-keto reductase family 1 member C4; plus strand). Cytogenetic location: 10p15.1.
Variant type: single nucleotide variant.
Coding change: c.257G>A on transcript NM_001818.5 (MANE Select); coding-DNA position 257, G replaced by A.
Protein change: p.Trp86Ter; replaces tryptophan 86 with a stop codon.
Molecular consequence: nonsense.
Genome position (GRCh38, 1-based): chr10:5,204,381, G>A. VCF-style: chr10-5204381-G-A. GRCh37 (hg19) VCF-style: chr10-5246344-G-A.
Other names: short protein forms W86*.
Identifiers: ClinVar variation 4771449 (VCV004771449.1).